The following is an entry in ClinVar:

ClinVar aggregate classification (germline): Pathogenic (1 of 4 stars; one submission).

Conditions:
X-linked severe combined immunodeficiency (SCIDX1). Also called: X-Linked Combined Immunodeficiency Diseases; IMMUNODEFICIENCY 4; SCID, X-LINKED; SEVERE COMBINED IMMUNODEFICIENCY, X-LINKED, T CELL-NEGATIVE, B CELL-POSITIVE, NK CELL-NEGATIVE; T-B+ severe combined immunodeficiency due to gamma chain deficiency. Identifiers: Orphanet 276, MedGen C6022468, MONDO:0010315, OMIM 300400. Disease mechanism: loss of function.

Submission:

Labcorp Genetics (formerly Invitae), Labcorp
Classification: Pathogenic for X-linked severe combined immunodeficiency. Last evaluated: 2025-01-27. Review status: criteria provided, single submitter. Criteria: Invitae Variant Classification Sherloc (09022015). Collection method: clinical testing. Allele origin: germline.
Comment: This sequence change replaces serine, which is neutral and polar, with arginine, which is basic and polar, at codon 225 of the IL2RG protein (p.Ser225Arg). This variant is not present in population databases (gnomAD no frequency). This missense change has been observed in individual(s) with severe combined immunodeficiency (PMID: 26547715, 32265911; internal data). ClinVar contains an entry for this variant (Variation ID: 566632). Invitae Evidence Modeling of protein sequence and biophysical properties (such as structural, functional, and spatial information, amino acid conservation, physicochemical variation, residue mobility, and thermodynamic stability) indicates that this missense variant is expected to disrupt IL2RG protein function with a positive predictive value of 95%. For these reasons, this variant has been classified as Pathogenic.

Literature cited by the submitters: PubMed 26547715; PubMed 32265911.

NM_000206.3(IL2RG):c.675C>G (p.Ser225Arg)

Gene: IL2RG (interleukin 2 receptor subunit gamma; minus strand). Cytogenetic location: Xq13.1.
Variant type: single nucleotide variant.
Coding change: c.675C>G on transcript NM_000206.3 (MANE Select); coding-DNA position 675, C replaced by G.
Protein change: p.Ser225Arg; replaces serine 225 with arginine.
Molecular consequence: missense variant.
Genome position (GRCh38, 1-based): chrX:71,109,310, G>C on the plus strand (C>G on the coding strand, the complement: IL2RG is on the minus strand). VCF-style: chrX-71109310-G-C. GRCh37 (hg19) VCF-style: chrX-70329160-G-C.
Other names: short protein forms S225R.
Identifiers: ClinVar variation 566632 (VCV000566632.9), dbSNP rs1569479913, ClinGen allele CA413495995.